The following is an entry in ClinVar:

NM_001330078.2(NRXN1):c.2374+5G>C

Gene: NRXN1 (neurexin 1; minus strand). Cytogenetic location: 2p16.3.
Variant type: single nucleotide variant.
Coding change: c.2374+5G>C on transcript NM_001330078.2 (MANE Select); 5 bases into the intron after coding-DNA position 2374, G replaced by C.
Molecular consequence: intron variant.
Genome position (GRCh38, 1-based): chr2:50,528,620, C>G on the plus strand (G>C on the coding strand, the complement: NRXN1 is on the minus strand). VCF-style: chr2-50528620-C-G. GRCh37 (hg19) VCF-style: chr2-50755758-C-G.
Other names: c.2263+2607G>C (NM_001330096.2, NM_001330087.2); c.2308+2607G>C (NM_001330083.2, NM_001330084.2); c.2293+2607G>C (NM_001330088.2); c.2371+5G>C (NM_001330093.2); c.2362+5G>C (NM_001330094.2); c.2323+2607G>C (NM_001330095.2); c.2350+5G>C (NM_001330082.2, NM_001330077.2); c.2347+2607G>C (NM_001330085.2); and 2 more.
Identifiers: ClinVar variation 2018334 (VCV002018334.4), dbSNP rs2465547622, ClinGen allele CA2580067525.

ClinVar aggregate classification (germline): Uncertain significance (1 of 4 stars; one submission).

Conditions:
Pitt-Hopkins-like syndrome 2 (PTHSL2). Identifiers: Orphanet 221150, Orphanet 600663, MedGen C3280479, MONDO:0013690, OMIM 614325.

Submission:

Labcorp Genetics (formerly Invitae), Labcorp
Classification: Uncertain significance for Pitt-Hopkins-like syndrome 2. Last evaluated: 2022-10-13. Review status: criteria provided, single submitter. Criteria: Invitae Variant Classification Sherloc (09022015). Collection method: clinical testing. Allele origin: germline.
Comment: This sequence change falls in intron 13 of the NRXN1 gene. It does not directly change the encoded amino acid sequence of the NRXN1 protein. It affects a nucleotide within the consensus splice site. In summary, the available evidence is currently insufficient to determine the role of this variant in disease. Therefore, it has been classified as a Variant of Uncertain Significance. Variants that disrupt the consensus splice site are a relatively common cause of aberrant splicing (PMID: 17576681, 9536098). Algorithms developed to predict the effect of sequence changes on RNA splicing suggest that this variant may disrupt the consensus splice site. This variant has not been reported in the literature in individuals affected with NRXN1-related conditions. This variant is not present in population databases (gnomAD no frequency).

Literature cited by the submitters: PubMed 17576681; PubMed 9536098.